The following is an entry in ClinVar:

ClinVar aggregate classification (germline): Uncertain significance (1 of 4 stars; one submission).

Submission:

Labcorp Genetics (formerly Invitae), Labcorp
Classification: Uncertain significance. Last evaluated: 2026-01-13. Review status: criteria provided, single submitter. Criteria: Invitae Variant Classification Sherloc (09022015). Collection method: clinical testing. Allele origin: germline.
Comment: This sequence change replaces histidine, which is basic and polar, with cysteine, which is neutral and slightly polar, at codon 36 of the POC5 protein (p.His36Cys). This variant is present in population databases (no rsID available, gnomAD 0.002%). This variant has not been reported in the literature in individuals affected with POC5-related conditions. ClinVar contains an entry for this variant (Variation ID: 2975207). An algorithm developed to predict the effect of missense changes on protein structure and function (PolyPhen-2) suggests that this variant is likely to be tolerated. In summary, the available evidence is currently insufficient to determine the role of this variant in disease. Therefore, it has been classified as a Variant of Uncertain Significance.

NM_001099271.2(POC5):c.106_107inv (p.His36Cys)

Gene: POC5 (POC5 centriolar protein; minus strand). Cytogenetic location: 5q13.3.
Variant type: Inversion.
Coding change: c.106_107inv on transcript NM_001099271.2 (MANE Select).
Protein change: p.His36Cys; replaces histidine 36 with cysteine.
Molecular consequence: missense variant.
Genome position: GRCh38 VCF-style: chr5-75707853-TG-CA. GRCh37 (hg19) VCF-style: chr5-75003678-TG-CA.
Other names: c.31_32inv, p.His11Cys (NM_152408.3); short protein forms H11C, H36C.
Identifiers: ClinVar variation 2975207 (VCV002975207.3), ClinGen allele CA2740091754.
Genomic context (GRCh38, chr5:75,707,853, plus strand): 5'-CCCTTAGGATGAGATGACTGTGAAGCACAGGGTTCAATATTTGGAGTCACTATAGCATAA[TG>CA]AAGCAGTTCTTCATATTCTTCCTAAGAGAGGCCAATAATCAATAATGTAGTGTAACAGTT-3'
Protein context (NP_001092741.1, residues 26-46): NLQEEYEELL[His36Cys]YAIVTPNIEP